The following is an entry in ClinVar:

NM_004329.3(BMPR1A):c.1210A>G (p.Thr404Ala)

Gene: BMPR1A (bone morphogenetic protein receptor type 1A; plus strand). Cytogenetic location: 10q23.2.
Variant type: single nucleotide variant.
Coding change: c.1210A>G on transcript NM_004329.3 (MANE Select); coding-DNA position 1210, A replaced by G.
Protein change: p.Thr404Ala; replaces threonine 404 with alanine.
Molecular consequence: missense variant.
Genome position (GRCh38, 1-based): chr10:86,921,563, A>G. VCF-style: chr10-86921563-A-G. GRCh37 (hg19) VCF-style: chr10-88681320-A-G.
Other names: c.1285A>G, p.Thr429Ala (NM_001406559.1); c.1258A>G, p.Thr420Ala (NM_001406560.1); c.1210A>G, p.Thr404Ala (NM_001406561.1, NM_001406562.1, NM_001406563.1 and 19 more transcripts); c.1126A>G, p.Thr376Ala (NM_001406584.1, NM_001406585.1, NM_001406586.1 and 2 more transcripts); c.868A>G, p.Thr290Ala (NM_001406589.1); c.1204A>G, p.Thr402Ala (NM_001406583.1); short protein forms T404A, T290A, T402A, T376A, T420A, T429A.
Identifiers: ClinVar variation 1750262 (VCV001750262.3), dbSNP rs2539636125, ClinGen allele CA377461961.
Genomic context (GRCh38, chr10:86,921,563, plus strand): 5'-GCTTTCTTTTGTTTCAGTGACACAAATGAAGTTGATGTGCCCTTGAATACCAGGGTGGGC[A>G]CCAAACGCTACATGGCTCCCGAAGTGCTGGACGAAAGCCTGAACAAAAACCACTTCCAGC-3'
Protein context (NP_004320.2, residues 394-414): VDVPLNTRVG[Thr404Ala]KRYMAPEVLD

ClinVar aggregate classification (germline): Uncertain significance (1 of 4 stars; one submission).

Conditions:
Hereditary cancer-predisposing syndrome. Also called: Hereditary Cancer Syndrome; Hereditary neoplastic syndrome; Neoplastic Syndromes, Hereditary; Tumor predisposition. Identifiers: Orphanet 140162, MedGen C0027672, MeSH D009386, MONDO:0015356.

Submission:

Ambry Genetics
Classification: Uncertain significance for Hereditary cancer-predisposing syndrome. Last evaluated: 2026-08-18. Review status: criteria provided, single submitter. Criteria: Ambry Variant Classification Scheme 2023. Collection method: clinical testing. Allele origin: germline.
Comment: The p.T404A variant (also known as c.1210A>G), located in coding exon 9 of the BMPR1A gene, results from an A to G substitution at nucleotide position 1210. The threonine at codon 404 is replaced by alanine, an amino acid with similar properties. This amino acid position is highly conserved in available vertebrate species. In addition, this alteration is predicted to be deleterious by in silico analysis. Based on the available evidence, the clinical significance of this variant remains unclear.